The following is an entry in ClinVar:

NM_000018.4(ACADVL):c.388del (p.Glu130fs)

Gene: ACADVL (acyl-CoA dehydrogenase very long chain; plus strand). Cytogenetic location: 17p13.1.
Variant type: Deletion.
Coding change: c.388del on transcript NM_000018.4 (MANE Select); coding-DNA position 388, one base deleted (G; older notation c.388delG).
Protein change: p.Glu130fs; shifts the reading frame from glutamic acid 130.
Molecular consequence: frameshift variant.
Genome position (GRCh38, 1-based): chr17:7,220,969, G deleted; the last of 2 consecutive G bases (chr17:7,220,968-7,220,969); deleting either gives the same sequence. VCF-style (leftmost placement, unchanged base first): chr17-7220967-AG-A. GRCh37 (hg19) VCF-style: chr17-7124286-AG-A.
Other names: NM_000018.4(ACADVL):c.388del; p.Glu130fs; c.322del, p.Glu108fs (NM_001033859.3); c.457del, p.Glu153fs (NM_001270447.2); c.160del, p.Glu54fs (NM_001270448.2); short protein forms E108fs, E130fs, E153fs, E54fs.
Identifiers: ClinVar variation 1074732 (VCV001074732.11), dbSNP rs2142969054, ClinGen allele CA2499224898.

ClinVar aggregate classification (germline): Likely pathogenic. Review status: reviewed by expert panel (3 of 4 stars). 3 submissions from 3 submitters: Likely pathogenic (1). 2 of the submissions do not count toward it. Last evaluated 2024-02-27.

Conditions:
Very long chain acyl-CoA dehydrogenase deficiency (ACADVLD). Also called: Very Long-Chain Acyl-Coenzyme A Dehydrogenase Deficiency; VLCAD Deficiency. Identifiers: Orphanet 26793, MedGen C3887523, MONDO:0008723, OMIM 201475.

Submissions (3):

ClinGen ACADVL Variant Curation Expert Panel, ClinGen
Classification: Likely pathogenic for Very long chain acyl-CoA dehydrogenase deficiency. Last evaluated: 2024-02-27. Review status: reviewed by expert panel. Criteria: clingen acadvl acmg specifications v1. Collection method: curation. Allele origin: germline. Inheritance: Autosomal recessive inheritance.
Comment: The NM_000018.4(ACADVL): c.388del (p.Glu130Argfs*87) variant in ACADVL is a frameshift variant predicted to cause a premature stop codon in biologically relevant exon 6/20 leading to nonsense mediated decay in a gene in which loss-of-function is an established disease mechanism (PVS1: PMIDs 9973285, 11590124). This variant is absent from gnomAD v2.1.1 (PM2_Supporting). To our knowledge, this variant has not been reported in the literature in any individuals with VLCADD. The ACADVL Variant Curation Expert Panel VCEP classified the variant as likely pathogenic based on PVS1+PM2_supporting (ACADVL VCEP specifications version 1; approved November 9, 2021). This variant was originally curated November 16, 2021 and the recurated classification was approved by the expert panel on February 27, 2024.

Fulgent Genetics
Classification: Likely pathogenic for Very long chain acyl-CoA dehydrogenase deficiency. Last evaluated: 2024-05-04. Review status: criteria provided, single submitter. Criteria: ACMG Guidelines, 2015. Collection method: clinical testing. Allele origin: germline. Not counted in ClinVar's aggregate classification.

Labcorp Genetics (formerly Invitae), Labcorp
Classification: Pathogenic for Very long chain acyl-CoA dehydrogenase deficiency. Last evaluated: 2020-01-26. Review status: criteria provided, single submitter. Criteria: Invitae Variant Classification Sherloc (09022015). Collection method: clinical testing. Allele origin: germline. Not counted in ClinVar's aggregate classification.
Comment: This variant is not present in population databases (ExAC no frequency). This sequence change creates a premature translational stop signal (p.Glu130Argfs*87) in the ACADVL gene. It is expected to result in an absent or disrupted protein product. This variant has not been reported in the literature in individuals with ACADVL-related conditions. For these reasons, this variant has been classified as Pathogenic. Loss-of-function variants in ACADVL are known to be pathogenic (PMID: 9973285, 11590124).

Literature cited by the submitters: PubMed 9973285 (cited by Labcorp Genetics (formerly Invitae), Labcorp); PubMed 11590124 (cited by Labcorp Genetics (formerly Invitae), Labcorp).